The following is an entry in ClinVar:

ClinVar aggregate classification (germline): Likely pathogenic. Review status: criteria provided, multiple submitters, no conflicts (2 of 4 stars). 2 submissions from 2 submitters: Likely pathogenic (2). Last evaluated 2024-05-22.

Conditions:
Charcot-Marie-Tooth disease type 2. Also called: Charcot-Marie-Tooth type 2. Identifiers: Orphanet 64746, MedGen C0270914, MONDO:0018993.
Charcot-Marie-Tooth disease type 2A2. Also called: CHARCOT-MARIE-TOOTH DISEASE, AXONAL, AUTOSOMAL DOMINANT, TYPE 2A2A; HEREDITARY MOTOR AND SENSORY NEUROPATHY IIA2; HMSN IIA2; CHARCOT-MARIE-TOOTH DISEASE, AXONAL, TYPE 2A2; CHARCOT-MARIE-TOOTH DISEASE, NEURONAL, TYPE 2A2; Charcot-Marie-Tooth Neuropathy Type 2A2. Identifiers: Orphanet 99947, MedGen C4721887, MONDO:0012231, OMIM 609260.

Submissions (2):

Clinical Omics and Informatics (COIN) Unit, Neuroscience Institute, University Of Cape Town
Classification: Likely pathogenic for Charcot-Marie-Tooth disease type 2A2. Last evaluated: 2024-05-22. Review status: criteria provided, single submitter. Criteria: ACMG Guidelines, 2015. Collection method: research. Allele origin: germline. Inheritance: Autosomal recessive inheritance. Affected: yes. Observed: 1 variant allele, 1 heterozygote. Study: International Center for Genomic Medicine for Neuromuscular Disease (ICGNMD).
Comment: PM2_supporting: this variant is absent from gnomAD v4.0 (adequate coverage >20X confirmed) and an internal database. PP3_moderate: REVEL score is 0.81. PM5 met: multiple MFN2 variants at amino acid 361 are determined to be pathogenic: p.His361Tyr (ClinVar VCV000637315.7), p.His361Pro (ClinVar VCV000543232.4) and p.His361Arg (ClinVar VCV000418294.20). PS4_supporting: variant identified in 1 proband with consistent phenotype for disorder (ClinVar SCV001236927.4). Sequencing funded by the International Centre for Genomic Medicine in Neuromuscular Diseases (ICGNMD).

Labcorp Genetics (formerly Invitae), Labcorp
Classification: Likely pathogenic for Charcot-Marie-Tooth disease type 2. Last evaluated: 2022-11-29. Review status: criteria provided, single submitter. Criteria: Invitae Variant Classification Sherloc (09022015). Collection method: clinical testing. Allele origin: germline.
Comment: In summary, the currently available evidence indicates that the variant is pathogenic, but additional data are needed to prove that conclusively. Therefore, this variant has been classified as Likely Pathogenic. This variant disrupts the p.His361 amino acid residue in MFN2. Other variant(s) that disrupt this residue have been determined to be pathogenic (Invitae). This suggests that this residue is clinically significant, and that variants that disrupt this residue are likely to be disease-causing. Advanced modeling of protein sequence and biophysical properties (such as structural, functional, and spatial information, amino acid conservation, physicochemical variation, residue mobility, and thermodynamic stability) performed at Invitae indicates that this missense variant is expected to disrupt MFN2 protein function. ClinVar contains an entry for this variant (Variation ID: 864426). This variant has not been reported in the literature in individuals affected with MFN2-related conditions. This variant is not present in population databases (gnomAD no frequency). This sequence change replaces histidine, which is basic and polar, with glutamine, which is neutral and polar, at codon 361 of the MFN2 protein (p.His361Gln).

Literature cited by the submitters: PubMed 37712079 (cited by Clinical Omics and Informatics (COIN) Unit, Neuroscience Institute, University Of Cape Town).

NM_014874.4(MFN2):c.1083C>G (p.His361Gln)

Gene: MFN2 (mitofusin 2; plus strand). Cytogenetic location: 1p36.22.
Variant type: single nucleotide variant.
Coding change: c.1083C>G on transcript NM_014874.4 (MANE Select); coding-DNA position 1083, C replaced by G.
Protein change: p.His361Gln; replaces histidine 361 with glutamine.
Molecular consequence: missense variant.
Genome position (GRCh38, 1-based): chr1:12,002,026, C>G. VCF-style: chr1-12002026-C-G. GRCh37 (hg19) VCF-style: chr1-12062083-C-G.
Other names: c.1083C>G, p.His361Gln (NM_001127660.2); short protein forms H361Q.
Identifiers: ClinVar variation 864426 (VCV000864426.12), dbSNP rs1639197832, ClinGen allele CA338442865.
Genomic context (GRCh38, chr1:12,002,026, plus strand): 5'-CCTCTGTGTGTTCCAGGAGTGCATCTCCCAGTCTGCAGTGAAGACCAAGTTTGAGCAGCA[C>G]ACGGTCCGGGCCAAGCAGATTGCAGAGGCGGTTCGACTCATCATGGACTCCCTGCACATG-3'
Protein context (NP_055689.1, residues 351-371): QSAVKTKFEQ[His361Gln]TVRAKQIAEA